The following is an entry in ClinVar:

ClinVar aggregate classification (germline): Uncertain significance (1 of 4 stars; one submission).

gnomAD v4.1: 1 of 1,612,974 alleles (0.000062%); highest among the groups gnomAD compares: South Asian, 0.0011%; no homozygotes.

Submission:

Labcorp Genetics (formerly Invitae), Labcorp
Classification: Uncertain significance. Last evaluated: 2021-12-22. Review status: criteria provided, single submitter. Criteria: Invitae Variant Classification Sherloc (09022015). Collection method: clinical testing. Allele origin: germline.
Comment: This sequence change replaces aspartic acid, which is acidic and polar, with alanine, which is neutral and non-polar, at codon 1344 of the C5 protein (p.Asp1344Ala). This variant is present in population databases (rs568473378, gnomAD 0.006%). This variant has not been reported in the literature in individuals affected with C5-related conditions. Algorithms developed to predict the effect of missense changes on protein structure and function are either unavailable or do not agree on the potential impact of this missense change (SIFT: "Tolerated"; PolyPhen-2: "Probably Damaging"; Align-GVGD: "Class C0"). In summary, the available evidence is currently insufficient to determine the role of this variant in disease. Therefore, it has been classified as a Variant of Uncertain Significance.

NM_001735.3(C5):c.4031A>C (p.Asp1344Ala)

Gene: C5 (complement C5; minus strand). Cytogenetic location: 9q33.2.
Variant type: single nucleotide variant.
Coding change: c.4031A>C on transcript NM_001735.3 (MANE Select); coding-DNA position 4031, A replaced by C.
Protein change: p.Asp1344Ala; replaces aspartic acid 1344 with alanine.
Molecular consequence: missense variant.
Genome position (GRCh38, 1-based): chr9:120,971,979, T>G on the plus strand (A>C on the coding strand, the complement: C5 is on the minus strand). VCF-style: chr9-120971979-T-G. GRCh37 (hg19) VCF-style: chr9-123734257-T-G.
Other names: c.4049A>C, p.Asp1350Ala (NM_001317163.2); short protein forms D1350A, D1344A.
Identifiers: ClinVar variation 1932969 (VCV001932969.5), dbSNP rs568473378, ClinGen allele CA5217321.
Genomic context (GRCh38, chr9:120,971,979, plus strand): 5'-TAAATACTTACATGTACTGTAGCCAAGCCACTGCCAAATCCTGTACTGACAATGAGGTCA[T>G]CATTGAGAAGCACCTGGAAAGATAATAGAGAAACAAACCATGCTTTCTTTCATCATTTGA-3'
Protein context (NP_001726.2, residues 1334-1354): LGRPVEVLLN[Asp1344Ala]DLIVSTGFGS